The following is an entry in ClinVar:

NM_000431.4(MVK):c.644G>T (p.Arg215Leu)

Gene: MVK (mevalonate kinase; plus strand). Cytogenetic location: 12q24.11.
Variant type: single nucleotide variant.
Coding change: c.644G>T on transcript NM_000431.4 (MANE Select); coding-DNA position 644, G replaced by T.
Protein change: p.Arg215Leu; replaces arginine 215 with leucine.
Molecular consequence: missense variant. On other transcripts: non-coding transcript variant (4).
Genome position (GRCh38, 1-based): chr12:109,586,766, G>T. VCF-style: chr12-109586766-G-T. GRCh37 (hg19) VCF-style: chr12-110024571-G-T.
Other names: c.644G>T, p.Arg215Leu (NM_001114185.3, NM_001414511.1, NM_001414512.1 and 1 more transcripts); c.488G>T, p.Arg163Leu (NM_001301182.2, NM_001414514.1); c.62G>T, p.Arg21Leu (NM_001414515.1); short protein forms R163L, R21L, R215L.
Identifiers: ClinVar variation 4525915 (VCV004525915.1).
Genomic context (GRCh38, chr12:109,586,766, plus strand): 5'-ATATGTTAGCTTTTCCCACAGCTCTGACCCACTGGTTTTTCTCTTTAGGAGGAGCCCTCC[G>T]ATACCATCAAGGGAAGATTTCATCCTTAAAGAGGTAACCTGGGGGTGGAGCAGCACATTC-3'
Protein context (NP_000422.1, residues 205-225): NAVSTWGGAL[Arg215Leu]YHQGKISSLK

ClinVar aggregate classification (germline): Uncertain significance (1 of 4 stars; one submission).

Submission:

Women's Health and Genetics/Laboratory Corporation of America, LabCorp
Classification: Uncertain significance. Last evaluated: 2025-07-15. Review status: criteria provided, single submitter. Criteria: LabCorp Variant Classification Summary - May 2015. Collection method: clinical testing. Allele origin: germline.
Comment: Variant summary: MVK c.644G>T (p.Arg215Leu) results in a non-conservative amino acid change in the encoded protein sequence. Algorithms developed to predict the effect of missense changes on protein structure and function all suggest that this variant is likely to be disruptive. The variant was absent in 251470 control chromosomes. The available data on variant occurrences in the general population are insufficient to allow any conclusion about variant significance. To our knowledge, no occurrence of c.644G>T in individuals affected with Mevalonic aciduria and no experimental evidence demonstrating its impact on protein function have been reported. No submitters have cited clinical-significance assessments for this variant to ClinVar. Based on the evidence outlined above, the variant was classified as uncertain significance.